The following is an entry in ClinVar:

ClinVar aggregate classification (germline): Likely pathogenic (1 of 4 stars; one submission).

Conditions:
Niemann-Pick disease, type C1. Also called: NEUROVISCERAL STORAGE DISEASE WITH VERTICAL SUPRANUCLEAR OPHTHALMOPLEGIA; NIEMANN-PICK DISEASE WITH CHOLESTEROL ESTERIFICATION BLOCK; NIEMANN-PICK DISEASE WITHOUT SPHINGOMYELINASE DEFICIENCY; NIEMANN-PICK DISEASE, CHRONIC NEURONOPATHIC FORM; NIEMANN-PICK DISEASE, VARIANT TYPE C1. Identifiers: Orphanet 646, MedGen C3179455, MONDO:0009757, OMIM 257220.

Submission:

Myriad Genetics, Inc.
Classification: Likely pathogenic for Niemann-Pick disease, type C1. Last evaluated: 2022-03-01. Review status: criteria provided, single submitter. Criteria: Myriad Women's Health Autosomal Recessive and X-Linked Classification Criteria (2021). Collection method: clinical testing. Allele origin: unknown.
Comment: NM_000271.4(NPC1):c.29_30ins17(L11Sfs*54) is expected to be pathogenic in the context of Niemann-Pick disease type C1. This variant is predicted to lead to an abnormal or absent protein product due to the creation of a premature termination codon in NPC1, a gene where loss-of-function variants are known to be pathogenic. Please note: this variant was assessed in the context of healthy population screening.

NM_000271.5(NPC1):c.29_30insGTCTCTTATACACACTG (p.Leu11fs)

Gene: NPC1 (NPC intracellular cholesterol transporter 1; minus strand). Cytogenetic location: 18q11.2.
Variant type: Insertion.
Coding change: c.29_30insGTCTCTTATACACACTG on transcript NM_000271.5 (MANE Select); coding-DNA positions 29 to 30, GTCTCTTATACACACTG inserted.
Protein change: p.Leu11fs; shifts the reading frame from leucine 11.
Molecular consequence: frameshift variant.
Genome position: GRCh38 VCF-style: chr18-23586314-G-GCAGTGTGTATAAGAGAC. GRCh37 (hg19) VCF-style: chr18-21166278-G-GCAGTGTGTATAAGAGAC.
Other names: short protein forms L11fs.
Identifiers: ClinVar variation 1724850 (VCV001724850.2), dbSNP rs2511394914, ClinGen allele CA2580095479.